The following is an entry in ClinVar:

NM_001277115.2(DNAH11):c.8592G>C (p.Leu2864Phe)

Gene: DNAH11 (dynein axonemal heavy chain 11; plus strand). Cytogenetic location: 7p15.3.
Variant type: single nucleotide variant.
Coding change: c.8592G>C on transcript NM_001277115.2 (MANE Select); coding-DNA position 8592, G replaced by C.
Protein change: p.Leu2864Phe; replaces leucine 2864 with phenylalanine.
Molecular consequence: missense variant.
Genome position (GRCh38, 1-based): chr7:21,748,661, G>C. VCF-style: chr7-21748661-G-C. GRCh37 (hg19) VCF-style: chr7-21788279-G-C.
Other names: short protein forms L2864F.
Identifiers: ClinVar variation 4869926 (VCV004869926.1).

ClinVar aggregate classification (germline): Uncertain significance (1 of 4 stars; one submission).

Conditions:
Primary ciliary dyskinesia. Also called: Ciliary dyskinesia. Identifiers: Orphanet 244, MedGen C0008780, MONDO:0016575, HP:0012265.

gnomAD v4.1: 2 of 1,613,750 alleles (0.00012%); highest among the groups gnomAD compares: Middle Eastern, 0.017%; no homozygotes.

Submission:

Ambry Genetics
Classification: Uncertain significance for Primary ciliary dyskinesia. Last evaluated: 2026-06-09. Review status: criteria provided, single submitter. Criteria: Ambry Variant Classification Scheme 2023. Collection method: clinical testing. Allele origin: germline.
Comment: The p.L2864F variant (also known as c.8592G>C), located in coding exon 52 of the DNAH11 gene, results from a G to C substitution at nucleotide position 8592. The leucine at codon 2864 is replaced by phenylalanine, an amino acid with highly similar properties. This amino acid position is conserved. In addition, the in silico prediction for this alteration is inconclusive. Based on the available evidence, the clinical significance of this variant remains unclear.